The following is an entry in ClinVar:

ClinVar aggregate classification (germline): Uncertain significance. Review status: criteria provided, multiple submitters, no conflicts (2 of 4 stars). 2 submissions from 2 submitters: Uncertain significance (2). Last evaluated 2026-01-08.

Allele frequency attached by ClinVar (database versions not stated): gnomAD 0.00005 and 0.00006; TOPMed 0.00006; gnomAD exomes 0.00010; ExAC 0.00015; 1000 Genomes Project 30x 0.00016; 1000 Genomes Project 0.00020.
gnomAD v4.1: 96 of 1,586,906 alleles (0.006%); highest among the groups gnomAD compares: Middle Eastern, 0.05%; no homozygotes.

Submissions (2):

Labcorp Genetics (formerly Invitae), Labcorp
Classification: Uncertain significance. Last evaluated: 2026-01-08. Review status: criteria provided, single submitter. Criteria: Invitae Variant Classification Sherloc (09022015). Collection method: clinical testing. Allele origin: germline.
Comment: This sequence change replaces alanine, which is neutral and non-polar, with threonine, which is neutral and polar, at codon 434 of the MKL1 protein (p.Ala434Thr). This variant is present in population databases (rs149045760, gnomAD 0.02%). This variant has not been reported in the literature in individuals affected with MKL1-related conditions. ClinVar contains an entry for this variant (Variation ID: 1683069). An algorithm developed to predict the effect of missense changes on protein structure and function (PolyPhen-2) suggests that this variant is likely to be tolerated. In summary, the available evidence is currently insufficient to determine the role of this variant in disease. Therefore, it has been classified as a Variant of Uncertain Significance.

Ambry Genetics
Classification: Uncertain significance. Last evaluated: 2023-05-17. Review status: criteria provided, single submitter. Criteria: Ambry Variant Classification Scheme 2023. Collection method: clinical testing. Allele origin: germline.

NM_020831.6(MRTFA):c.1600G>A (p.Ala534Thr)

Gene: MRTFA (myocardin related transcription factor A; minus strand). Cytogenetic location: 22q13.1.
Variant type: single nucleotide variant.
Coding change: c.1600G>A on transcript NM_020831.6 (MANE Select); coding-DNA position 1600, G replaced by A.
Protein change: p.Ala534Thr; replaces alanine 534 with threonine.
Molecular consequence: missense variant.
Genome position (GRCh38, 1-based): chr22:40,419,138, C>T on the plus strand (G>A on the coding strand, the complement: MRTFA is on the minus strand). VCF-style: chr22-40419138-C-T. GRCh37 (hg19) VCF-style: chr22-40815142-C-T.
Other names: c.1300G>A, p.Ala434Thr (NM_001282660.2); c.1450G>A, p.Ala484Thr (NM_001282661.3); c.1600G>A, p.Ala534Thr (NM_001282662.3); c.1405G>A, p.Ala469Thr (NM_001318139.2); c.1300G>A (NM_020831.3); short protein forms A434T, A469T, A484T, A534T.
Identifiers: ClinVar variation 1683069 (VCV001683069.8), dbSNP rs149045760, ClinGen allele CA10249633.